The following is an entry in ClinVar:

NM_198241.3(EIF4G1):c.897A>G (p.Glu299=)

Gene: EIF4G1 (eukaryotic translation initiation factor 4 gamma 1; plus strand). Cytogenetic location: 3q27.1.
Variant type: single nucleotide variant.
Coding change: c.897A>G on transcript NM_198241.3 (MANE Select); coding-DNA position 897, A replaced by G.
Protein change: p.Glu299=; no amino-acid change (glutamic acid 299 retained).
Molecular consequence: synonymous variant.
Genome position (GRCh38, 1-based): chr3:184,321,481, A>G. VCF-style: chr3-184321481-A-G. GRCh37 (hg19) VCF-style: chr3-184039269-A-G.
Other names: c.897A>G (NM_198241.2); c.918A>G, p.Glu306= (NM_001194946.2, NM_001194947.2); c.777A>G, p.Glu259= (NM_001291157.2); c.309A>G, p.Glu103= (NM_004953.5); c.897A>G, p.Glu299= (NM_182917.4); c.405A>G, p.Glu135= (NM_198242.3); c.636A>G, p.Glu212= (NM_198244.3).
Identifiers: ClinVar variation 4965243 (VCV004965243.2).

ClinVar aggregate classification (germline): Likely benign. Review status: criteria provided, multiple submitters, no conflicts (2 of 4 stars). 2 submissions from 2 submitters: Likely benign (2). Last evaluated 2024-10-02.

Conditions:
EIF4G1-related disorder. Also called: EIF4G1-related condition.

Submissions (2):

PreventionGenetics, part of Exact Sciences
Classification: Likely benign for EIF4G1-related condition. Last evaluated: 2024-10-02. Review status: criteria provided, single submitter. Criteria: ACMG Guidelines, 2015. Collection method: clinical testing. Allele origin: germline.
Comment: This variant is classified as likely benign based on ACMG/AMP sequence variant interpretation guidelines (Richards et al. 2015 PMID: 25741868, with internal and published modifications).

Blueprint Genetics
Classification: Likely benign. Last evaluated: 2024-09-06. Review status: criteria provided, single submitter. Criteria: ACMG Guidelines, 2015. Collection method: clinical testing. Allele origin: germline.